The following is an entry in ClinVar:

ClinVar aggregate classification (germline): Uncertain significance. Review status: criteria provided, multiple submitters, no conflicts (2 of 4 stars). 3 submissions from 3 submitters: Uncertain significance (3). Last evaluated 2026-01-04.

Conditions:
COL4A1-related disorder. Also called: COL4A1-related condition; COL4A1-related disorders. Identifiers: MedGen CN376119, MONDO:0800461.
Retinal arterial tortuosity. Also called: Retinal arteries, tortuosity of; RETINAL HEMORRHAGE WITH VASCULAR TORTUOSITY. Identifiers: Orphanet 75326, MedGen C0423401, MONDO:0008373, OMIM 180000, HP:0000631.
Brain small vessel disease 1 with or without ocular anomalies (BSVD1). Also called: PORENCEPHALY, TYPE 1, AUTOSOMAL DOMINANT; GOULD SYNDROME 1; BRAIN SMALL VESSEL DISEASE WITH HEMORRHAGE; Brain small vessel disease with or without ocular anomalies. Identifiers: Orphanet 2940, Orphanet 36383, Orphanet 99810, MedGen C4755307, MONDO:0008289, OMIM 175780.
Microangiopathy and leukoencephalopathy, pontine, autosomal dominant. Also called: Pontine autosomal dominant microangiopathy with leukoencephalopathy; DEMENTIA, HEREDITARY MULTI-INFARCT, SWEDISH TYPE. Identifiers: Orphanet 477749, MedGen C5231411, MONDO:0032814, OMIM 618564.
Hemorrhage, intracerebral, susceptibility to (ICH). Also called: Stroke, hemorrhagic, susceptibility to. Identifiers: MedGen C3281105, MONDO:0100533, OMIM 614519.
Autosomal dominant familial hematuria-retinal arteriolar tortuosity-contractures syndrome. Also called: Hereditary Angiopathy with Nephropathy, Aneurysms, and Muscle Cramps (HANAC) Syndrome; Angiopathy, hereditary, with nephropathy, aneurysms, and muscle cramps. Identifiers: Orphanet 73229, MedGen C2673195, MONDO:0012726, OMIM 611773.

Allele frequency attached by ClinVar (database versions not stated): gnomAD 0.00001; gnomAD exomes 0.00001 and 0.00002; ExAC 0.00002; TOPMed 0.00002.
gnomAD v4.1: 21 of 1,614,032 alleles (0.0013%); highest among the groups gnomAD compares: South Asian, 0.0022%; no homozygotes.

Submissions (3):

Labcorp Genetics (formerly Invitae), Labcorp
Classification: Uncertain significance. Last evaluated: 2026-01-04. Review status: criteria provided, single submitter. Criteria: Invitae Variant Classification Sherloc (09022015). Collection method: clinical testing. Allele origin: germline.
Comment: This sequence change replaces proline, which is neutral and non-polar, with leucine, which is neutral and non-polar, at codon 839 of the COL4A1 protein (p.Pro839Leu). This variant is present in population databases (rs763434858, gnomAD 0.003%). This variant has not been reported in the literature in individuals affected with COL4A1-related conditions. ClinVar contains an entry for this variant (Variation ID: 1377983). Invitae Evidence Modeling of protein sequence and biophysical properties (such as structural, functional, and spatial information, amino acid conservation, physicochemical variation, residue mobility, and thermodynamic stability) indicates that this missense variant is not expected to disrupt COL4A1 protein function with a negative predictive value of 95%. In summary, the available evidence is currently insufficient to determine the role of this variant in disease. Therefore, it has been classified as a Variant of Uncertain Significance.

Fulgent Genetics
Classification: Uncertain significance for Brain small vessel disease 1 with or without ocular anomalies; Retinal arterial tortuosity; Autosomal dominant familial hematuria-retinal arteriolar tortuosity-contractures syndrome; Hemorrhage, intracerebral, susceptibility to; Microangiopathy and leukoencephalopathy, pontine, autosomal dominant. Last evaluated: 2024-03-28. Review status: criteria provided, single submitter. Criteria: ACMG Guidelines, 2015. Collection method: clinical testing. Allele origin: germline.

PreventionGenetics, part of Exact Sciences
Classification: Uncertain significance for COL4A1-related condition. Last evaluated: 2022-08-24. Review status: criteria provided, single submitter. Criteria: ACMG Guidelines, 2015. Collection method: clinical testing. Allele origin: germline.
Comment: The COL4A1 c.2516C>T variant is predicted to result in the amino acid substitution p.Pro839Leu. To our knowledge, this variant has not been reported in the literature. This variant is reported in 0.0035% of alleles in individuals of European (Non-Finnish) descent in gnomAD. At this time, the clinical significance of this variant is uncertain due to the absence of conclusive functional and genetic evidence.

NM_001845.6(COL4A1):c.2516C>T (p.Pro839Leu)

Gene: COL4A1 (collagen type IV alpha 1 chain; minus strand). Cytogenetic location: 13q34.
Variant type: single nucleotide variant.
Coding change: c.2516C>T on transcript NM_001845.6 (MANE Select); coding-DNA position 2516, C replaced by T.
Protein change: p.Pro839Leu; replaces proline 839 with leucine.
Molecular consequence: missense variant.
Genome position (GRCh38, 1-based): chr13:110,178,174, G>A on the plus strand (C>T on the coding strand, the complement: COL4A1 is on the minus strand). VCF-style: chr13-110178174-G-A. GRCh37 (hg19) VCF-style: chr13-110830521-G-A.
Other names: c.2516C>T (NM_001845.5); short protein forms P839L.
Identifiers: ClinVar variation 1377983 (VCV001377983.9), dbSNP rs763434858, ClinGen allele CA7047566.